The following is an entry in ClinVar:

ClinVar aggregate classification (germline): Uncertain significance (1 of 4 stars; one submission).

Allele frequency attached by ClinVar (database versions not stated): gnomAD exomes below 0.00001.
gnomAD v4.1: 2 of 1,614,174 alleles (0.00012%); highest among the groups gnomAD compares: South Asian, 0.0022%; no homozygotes.

Submission:

Labcorp Genetics (formerly Invitae), Labcorp
Classification: Uncertain significance. Last evaluated: 2021-05-09. Review status: criteria provided, single submitter. Criteria: Invitae Variant Classification Sherloc (09022015). Collection method: clinical testing. Allele origin: germline.
Comment: In summary, the available evidence is currently insufficient to determine the role of this variant in disease. Therefore, it has been classified as a Variant of Uncertain Significance. Advanced modeling of protein sequence and biophysical properties (such as structural, functional, and spatial information, amino acid conservation, physicochemical variation, residue mobility, and thermodynamic stability) performed at Invitae indicates that this missense variant is not expected to disrupt COL27A1 protein function. This variant has not been reported in the literature in individuals with COL27A1-related conditions. This variant is not present in population databases (ExAC no frequency). This sequence change replaces glycine with tryptophan at codon 1847 of the COL27A1 protein (p.Gly1847Trp). The glycine residue is highly conserved and there is a large physicochemical difference between glycine and tryptophan.

NM_032888.4(COL27A1):c.5539G>T (p.Gly1847Trp)

Gene: COL27A1 (collagen type XXVII alpha 1 chain; plus strand). Cytogenetic location: 9q32.
Variant type: single nucleotide variant.
Coding change: c.5539G>T on transcript NM_032888.4 (MANE Select); coding-DNA position 5539, G replaced by T.
Protein change: p.Gly1847Trp; replaces glycine 1847 with tryptophan.
Molecular consequence: missense variant.
Genome position (GRCh38, 1-based): chr9:114,310,651, G>T. VCF-style: chr9-114310651-G-T. GRCh37 (hg19) VCF-style: chr9-117072931-G-T.
Other names: short protein forms G1847W.
Identifiers: ClinVar variation 1394175 (VCV001394175.8), dbSNP rs1342079378, ClinGen allele CA374598023.